The following is an entry in ClinVar:

NM_006030.4(CACNA2D2):c.2862+3G>C

Genes: CACNA2D2 (calcium voltage-gated channel auxiliary subunit alpha2delta 2; minus strand), LOC101928965 (uncharacterized LOC101928965; plus strand), LOC127898564 (CYB561D2-LOC101928965; plus strand). Cytogenetic location: 3p21.31.
Variant type: single nucleotide variant.
Coding change: c.2862+3G>C on transcript NM_006030.4 (MANE Select); 3 bases into the intron after coding-DNA position 2862, G replaced by C.
Molecular consequence: intron variant.
Genome position (GRCh38, 1-based): chr3:50,366,008, C>G on the plus strand (G>C on the coding strand, the complement: CACNA2D2 is on the minus strand). VCF-style: chr3-50366008-C-G. GRCh37 (hg19) VCF-style: chr3-50403439-C-G.
Other names: c.2655+3G>C (NM_001291101.1); c.2862+3G>C (NM_001005505.3); c.2883+3G>C (NM_001174051.3).
Identifiers: ClinVar variation 664188 (VCV000664188.9), dbSNP rs755446742, ClinGen allele CA2418354.
Genomic context (GRCh38, chr3:50,366,008, plus strand): 5'-GTCATCTGTGGGCAGGTCTCCCAGTCCCCCCCATCTCCAGTCCAGGCATCTCTGGGGACT[C>G]ACCACAAAGACACCCCGGGGTGCAGCACCCAGGTTGCCAGGGGGCTGAGGGGCACAGGCT-3'

ClinVar aggregate classification (germline): Uncertain significance (1 of 4 stars; one submission).

Conditions:
Early-infantile DEE. Also called: Early infantile epileptic encephalopathy; Ohtahara syndrome; Early infantile epileptic encephalopathy with suppression bursts. Identifiers: Orphanet 1934, MedGen C0393706, MONDO:0800491.

Allele frequency attached by ClinVar (database versions not stated): gnomAD exomes below 0.00001; ExAC 0.00001.

Submission:

Labcorp Genetics (formerly Invitae), Labcorp
Classification: Uncertain significance for Early-infantile DEE. Last evaluated: 2019-05-29. Review status: criteria provided, single submitter. Criteria: Invitae Variant Classification Sherloc (09022015). Collection method: clinical testing. Allele origin: germline.
Comment: This sequence change falls in intron 32 of the CACNA2D2 gene. It does not directly change the encoded amino acid sequence of the CACNA2D2 protein, but it affects a nucleotide within the consensus splice site of the intron. This variant is present in population databases (rs755446742, ExAC 0.002%). This variant has not been reported in the literature in individuals with CACNA2D2-related disease. Nucleotide substitutions within the consensus splice site are a relatively common cause of aberrant splicing (PMID: 17576681, 9536098). Algorithms developed to predict the effect of sequence changes on RNA splicing suggest that this variant may disrupt the consensus splice site, but this prediction has not been confirmed by published transcriptional studies. In summary, the available evidence is currently insufficient to determine the role of this variant in disease. Therefore, it has been classified as a Variant of Uncertain Significance.

Literature cited by the submitters: PubMed 17576681; PubMed 9536098.